The following is an entry in ClinVar:

ClinVar aggregate classification (germline): Likely pathogenic (1 of 4 stars; one submission).

Conditions:
Desmin-related myofibrillar myopathy (MFM1). Also called: Desminopathy; Desmin related myopathy (former name); Desmin storage myopathy (former name); MYOFIBRILLAR MYOPATHY WITH ARRHYTHMOGENIC RIGHT VENTRICULAR CARDIOMYOPATHY; DESMIN-RELATED MYOPATHY WITH ARRHYTHMOGENIC RIGHT VENTRICULAR CARDIOMYOPATHY; Myofibrillar myopathy 1. Identifiers: Orphanet 363543, Orphanet 98909, MedGen C1832370, MONDO:0011076, OMIM 601419.

Submission:

Institute of Immunology and Genetics Kaiserslautern
Classification: Likely pathogenic for Desmin-related myofibrillar myopathy. Last evaluated: 2026-03-27. Review status: criteria provided, single submitter. Criteria: ACMG Guidelines, 2015. Collection method: clinical testing. Allele origin: germline.
Comment: ACMG Criteria: PM1, PM2_P, PM5, PP3; Variant was found in heterozygous state.

NM_001927.4(DES):c.1345A>G (p.Lys449Glu)

Gene: DES (desmin; plus strand). Cytogenetic location: 2q35.
Variant type: single nucleotide variant.
Coding change: c.1345A>G on transcript NM_001927.4 (MANE Select); coding-DNA position 1345, A replaced by G.
Protein change: p.Lys449Glu; replaces lysine 449 with glutamic acid.
Molecular consequence: missense variant.
Genome position (GRCh38, 1-based): chr2:219,425,719, A>G. VCF-style: chr2-219425719-A-G. GRCh37 (hg19) VCF-style: chr2-220290441-A-G.
Other names: c.1342A>G, p.Lys448Glu (NM_001382708.1); c.913A>G, p.Lys305Glu (NM_001382709.1); c.1276A>G, p.Lys426Glu (NM_001382710.1); c.1324A>G, p.Lys442Glu (NM_001382711.1); c.1345A>G, p.Lys449Glu (NM_001382712.1); c.1075A>G, p.Lys359Glu (NM_001382713.1); short protein forms K305E, K359E, K426E, K442E, K448E, K449E.
Identifiers: ClinVar variation 4849662 (VCV004849662.1).